The following is an entry in ClinVar:

ClinVar aggregate classification (germline): Uncertain significance (1 of 4 stars; one submission).

Conditions:
Hereditary cancer-predisposing syndrome. Also called: Neoplastic Syndromes, Hereditary; Tumor predisposition; Hereditary Cancer Syndrome; Hereditary neoplastic syndrome. Identifiers: Orphanet 140162, MedGen C0027672, MeSH D009386, MONDO:0015356.

Submission:

Labcorp Genetics (formerly Invitae), Labcorp
Classification: Uncertain significance for Hereditary cancer-predisposing syndrome. Last evaluated: 2017-08-28. Review status: criteria provided, single submitter. Criteria: Invitae Variant Classification Sherloc (09022015). Collection method: clinical testing. Allele origin: germline.
Comment: This sequence change replaces histidine with tyrosine at codon 397 of the RAD50 protein (p.His397Tyr). The histidine residue is moderately conserved and there is a moderate physicochemical difference between histidine and tyrosine. This variant is not present in population databases (ExAC no frequency). This variant has not been reported in the literature in individuals with RAD50-related disease. Algorithms developed to predict the effect of missense changes on protein structure and function (SIFT, PolyPhen-2, Align-GVGD) all suggest that this variant is likely to be tolerated, but these predictions have not been confirmed by published functional studies and their clinical significance is uncertain. In summary, the available evidence is currently insufficient to determine the role of this variant in disease. Therefore, it has been classified as a Variant of Uncertain Significance.

NM_005732.4(RAD50):c.1189C>T (p.His397Tyr)

Gene: RAD50 (RAD50 double strand break repair protein; plus strand). Cytogenetic location: 5q31.1.
Variant type: single nucleotide variant.
Coding change: c.1189C>T on transcript NM_005732.4 (MANE Select); coding-DNA position 1189, C replaced by T.
Protein change: p.His397Tyr; replaces histidine 397 with tyrosine.
Molecular consequence: missense variant.
Genome position (GRCh38, 1-based): chr5:132,588,824, C>T. VCF-style: chr5-132588824-C-T. GRCh37 (hg19) VCF-style: chr5-131924516-C-T.
Other names: short protein forms H397Y.
Identifiers: ClinVar variation 527341 (VCV000527341.9), dbSNP rs1554098253, ClinGen allele CA360942856.